The following is an entry in ClinVar:

NM_182961.4(SYNE1):c.16349C>T (p.Ala5450Val)

Gene: SYNE1 (spectrin repeat containing nuclear envelope protein 1; minus strand). Cytogenetic location: 6q25.2.
Variant type: single nucleotide variant.
Coding change: c.16349C>T on transcript NM_182961.4 (MANE Select); coding-DNA position 16349, C replaced by T.
Protein change: p.Ala5450Val; replaces alanine 5450 with valine.
Molecular consequence: missense variant.
Genome position (GRCh38, 1-based): chr6:152,318,903, G>A on the plus strand (C>T on the coding strand, the complement: SYNE1 is on the minus strand). VCF-style: chr6-152318903-G-A. GRCh37 (hg19) VCF-style: chr6-152640038-G-A.
Other names: c.16349C>T (NM_182961.2); c.16136C>T, p.Ala5379Val (NM_033071.5); short protein forms A5379V, A5450V.
Identifiers: ClinVar variation 290571 (VCV000290571.17), dbSNP rs181649865, ClinGen allele CA4055541.

ClinVar aggregate classification (germline): Uncertain significance. Review status: criteria provided, multiple submitters, no conflicts (2 of 4 stars). 4 submissions from 4 submitters: Uncertain significance (4). Last evaluated 2024-09-03.

Conditions:
Autosomal recessive ataxia, Beauce type. Also called: Spinocerebellar ataxia, autosomal recessive 8; ATAXIA, RECESSIVE, OF BEAUCE; SYNE1 Deficiency; SYNE1-Related Autosomal Recessive Cerebellar Ataxia. Identifiers: Orphanet 88644, MedGen C1853116, MONDO:0012549, OMIM 610743.
Emery-Dreifuss muscular dystrophy 4, autosomal dominant (EDMD4). Also called: EMERY-DREIFUSS MUSCULAR DYSTROPHY 4 WITH VARIABLE FEATURES. Identifiers: Orphanet 261, MedGen C2751807, MONDO:0013071, OMIM 612998.

Allele frequency attached by ClinVar (database versions not stated): TOPMed 0.00006; 1000 Genomes Project 0.00020; 1000 Genomes Project 30x 0.00031.
gnomAD v4.1: 49 of 1,614,002 alleles (0.003%); highest among the groups gnomAD compares: East Asian, 0.022%; 1 homozygote.

Submissions (4):

Revvity Omics, Revvity
Classification: Uncertain significance. Last evaluated: 2024-09-03. Review status: criteria provided, single submitter. Criteria: ACMG Guidelines, 2015. Collection method: clinical testing. Allele origin: germline.

Labcorp Genetics (formerly Invitae), Labcorp
Classification: Uncertain significance for Emery-Dreifuss muscular dystrophy 4, autosomal dominant; Autosomal recessive ataxia, Beauce type. Last evaluated: 2024-06-17. Review status: criteria provided, single submitter. Criteria: Invitae Variant Classification Sherloc (09022015). Collection method: clinical testing. Allele origin: germline.
Comment: This sequence change replaces alanine, which is neutral and non-polar, with valine, which is neutral and non-polar, at codon 5379 of the SYNE1 protein (p.Ala5379Val). This variant is present in population databases (rs181649865, gnomAD 0.06%). This variant has not been reported in the literature in individuals affected with SYNE1-related conditions. ClinVar contains an entry for this variant (Variation ID: 290571). An algorithm developed to predict the effect of missense changes on protein structure and function (PolyPhen-2) suggests that this variant is likely to be tolerated. In summary, the available evidence is currently insufficient to determine the role of this variant in disease. Therefore, it has been classified as a Variant of Uncertain Significance.

Athena Diagnostics
Classification: Uncertain significance. Last evaluated: 2021-02-16. Review status: criteria provided, single submitter. Criteria: Athena Diagnostics criteria. Collection method: clinical testing. Allele origin: unknown.

Eurofins Ntd Llc (ga)
Classification: Uncertain significance. Last evaluated: 2016-09-01. Review status: criteria provided, single submitter. Criteria: EGL Classification Definitions 2015. Collection method: clinical testing. Allele origin: germline. Observed: 1 variant allele, 1 heterozygote.